The following is an entry in ClinVar:

ClinVar aggregate classification (germline): Pathogenic (1 of 4 stars; one submission).

Submission:

Labcorp Genetics (formerly Invitae), Labcorp
Classification: Pathogenic. Last evaluated: 2022-12-02. Review status: criteria provided, single submitter. Criteria: Invitae Variant Classification Sherloc (09022015). Collection method: clinical testing. Allele origin: germline.
Comment: For these reasons, this variant has been classified as Pathogenic. Advanced modeling of protein sequence and biophysical properties (such as structural, functional, and spatial information, amino acid conservation, physicochemical variation, residue mobility, and thermodynamic stability) performed at Invitae indicates that this missense variant is expected to disrupt ABCA4 protein function. This missense change has been observed in individual(s) with Stargardt disease (PMID: 27898983; Invitae). It has also been observed to segregate with disease in related individuals. This variant is not present in population databases (gnomAD no frequency). This sequence change replaces phenylalanine, which is neutral and non-polar, with cysteine, which is neutral and slightly polar, at codon 348 of the ABCA4 protein (p.Phe348Cys).

Literature cited by the submitters: PubMed 27898983.

NM_000350.3(ABCA4):c.1043T>G (p.Phe348Cys)

Gene: ABCA4 (ATP binding cassette subfamily A member 4; minus strand). Cytogenetic location: 1p22.1.
Variant type: single nucleotide variant.
Coding change: c.1043T>G on transcript NM_000350.3 (MANE Select); coding-DNA position 1043, T replaced by G.
Protein change: p.Phe348Cys; replaces phenylalanine 348 with cysteine.
Molecular consequence: missense variant.
Genome position (GRCh38, 1-based): chr1:94,080,534, A>C on the plus strand (T>G on the coding strand, the complement: ABCA4 is on the minus strand). VCF-style: chr1-94080534-A-C. GRCh37 (hg19) VCF-style: chr1-94546090-A-C.
Other names: c.1043T>G, p.Phe348Cys (NM_001425324.1); short protein forms F348C.
Identifiers: ClinVar variation 2733944 (VCV002733944.3), dbSNP rs2523902363, ClinGen allele CA341283985.